The following is an entry in ClinVar:

ClinVar aggregate classification (germline): Pathogenic (1 of 4 stars; one submission).

Conditions:
Inborn genetic diseases. Identifiers: MedGen C0950123, MeSH D030342.

Submission:

Ambry Genetics
Classification: Pathogenic for Inborn genetic diseases. Last evaluated: 2024-04-30. Review status: criteria provided, single submitter. Criteria: Ambry Variant Classification Scheme 2023. Collection method: clinical testing. Allele origin: germline.
Comment: The c.8064_8065delTC (p.R2689Vfs*27) alteration, located in coding exon 12 of the SRRM2 gene, consists of a deletion of 2 nucleotides from position 8064 to 8065, causing a translational frameshift with a predicted alternate stop codon after 27 amino acids. This alteration is expected to result in loss of function by premature protein truncation or nonsense-mediated mRNA decay. Based on data from gnomAD, this allele has an overall frequency of <0.001% (1/240072) total alleles studied. The highest observed frequency was 0.001% (1/108042) of European (non-Finnish) alleles. Based on the available evidence, this alteration is classified as pathogenic.

NM_016333.4(SRRM2):c.8064_8065del (p.Arg2689fs)

Gene: SRRM2 (serine/arginine repetitive matrix 2; plus strand). Cytogenetic location: 16p13.3.
Variant type: Microsatellite.
Coding change: c.8064_8065del on transcript NM_016333.4 (MANE Select); coding-DNA positions 8064 to 8065, 2 bases deleted (TC; older notation c.8064_8065delTC).
Protein change: p.Arg2689fs; shifts the reading frame from arginine 2689.
Molecular consequence: frameshift variant.
Genome position (GRCh38, 1-based): chr16:2,770,394-2,770,395, TC deleted; deleting any 2 consecutive bases within chr16:2,770,391-2,770,395 gives the same sequence; the c. name uses the placement nearest the transcript's 3' end. VCF-style (leftmost placement, unchanged base first): chr16-2770390-ACT-A. GRCh37 (hg19) VCF-style: chr16-2820391-ACT-A.
Other names: short protein forms R2689fs.
Identifiers: ClinVar variation 3322712 (VCV003322712.1).